The following is an entry in ClinVar:

NM_000038.6(APC):c.8035_8036delinsGA (p.Thr2679Asp)

Gene: APC (APC regulator of Wnt signaling pathway; plus strand). Cytogenetic location: 5q22.2.
Variant type: Indel.
Coding change: c.8035_8036delinsGA on transcript NM_000038.6 (MANE Select); coding-DNA positions 8035 to 8036, AC replaced by GA.
Protein change: p.Thr2679Asp; replaces threonine 2679 with aspartic acid.
Molecular consequence: missense variant.
Genome position (GRCh38, 1-based): chr5:112,843,629-112,843,630, AC replaced by GA. VCF-style: chr5-112843629-AC-GA. GRCh37 (hg19) VCF-style: chr5-112179326-AC-GA.
Other names: c.8035_8036delinsGA, p.Thr2679Asp (NM_001127510.3, NM_001354895.2); c.7981_7982delinsGA, p.Thr2661Asp (NM_001127511.3); c.8089_8090delinsGA, p.Thr2697Asp (NM_001354896.2); c.8065_8066delinsGA, p.Thr2689Asp (NM_001354897.2); c.7960_7961delinsGA, p.Thr2654Asp (NM_001354898.2); c.7951_7952delinsGA, p.Thr2651Asp (NM_001354899.2); c.7912_7913delinsGA, p.Thr2638Asp (NM_001354900.2); c.7858_7859delinsGA, p.Thr2620Asp (NM_001354901.2); and 16 more; short protein forms T2295D, T2396D, T2519D, T2550D, T2553D, T2578D, T2588D, T2596D.
Identifiers: ClinVar variation 1719952 (VCV001719952.6), dbSNP rs2533839502, ClinGen allele CA2580072456.

ClinVar aggregate classification (germline): Uncertain significance (1 of 4 stars; one submission).

Conditions:
Familial adenomatous polyposis 1 (FAP1). Also called: FAMILIAL ADENOMATOUS POLYPOSIS 1, ATTENUATED; POLYPOSIS, ADENOMATOUS INTESTINAL. Identifiers: MedGen C2713442, MONDO:0021056, OMIM 175100. Disease mechanism: loss of function.

Submission:

Labcorp Genetics (formerly Invitae), Labcorp
Classification: Uncertain significance for Familial adenomatous polyposis 1. Last evaluated: 2022-09-21. Review status: criteria provided, single submitter. Criteria: Invitae Variant Classification Sherloc (09022015). Collection method: clinical testing. Allele origin: germline.
Comment: Algorithms developed to predict the effect of missense changes on protein structure and function are either unavailable or do not agree on the potential impact of this missense change (SIFT: "Not Available"; PolyPhen-2: "Benign"; Align-GVGD: "Not Available"). This variant has not been reported in the literature in individuals affected with APC-related conditions. Information on the frequency of this variant in the gnomAD database is not available, as this variant may be reported differently in the database. This sequence change replaces threonine, which is neutral and polar, with aspartic acid, which is acidic and polar, at codon 2679 of the APC protein (p.Thr2679Asp). In summary, the available evidence is currently insufficient to determine the role of this variant in disease. Therefore, it has been classified as a Variant of Uncertain Significance.